The following is an entry in ClinVar:

NC_000023.10:g.(?_153639844)_(153642537_?)del

Genes: TAFAZZIN (tafazzin, phospholipid-lysophospholipid transacylase; plus strand), DNASE1L1 (deoxyribonuclease 1 like 1; minus strand). Cytogenetic location: Xq28.
Variant type: Deletion.
Identifiers: ClinVar variation 1070848 (VCV001070848.2).

ClinVar aggregate classification (germline): Pathogenic (1 of 4 stars; one submission).

Conditions:
3-Methylglutaconic aciduria type 2 (BTHS). Also called: Barth syndrome; CARDIOSKELETAL MYOPATHY WITH NEUTROPENIA AND ABNORMAL MITOCHONDRIA. Identifiers: Orphanet 111, MedGen C0574083, MONDO:0010543, OMIM 302060.

Submission:

Labcorp Genetics (formerly Invitae), Labcorp
Classification: Pathogenic for 3-Methylglutaconic aciduria type 2. Last evaluated: 2022-08-09. Review status: criteria provided, single submitter. Criteria: Invitae Variant Classification Sherloc (09022015). Collection method: clinical testing. Allele origin: germline.
Comment: This variant is a gross deletion of the genomic region encompassing exon(s) 1-5 of the TAZ gene, which includes the initiator codon. This deletion extends beyond the assayed region for this gene and therefore may encompass additional genes. It is expected to result in an absent or disrupted protein product. Loss-of-function variants in TAZ are known to be pathogenic (PMID: 16427346, 22382802, 23409742). A similar copy number variant has been observed in individual(s) with clinical features of Barth syndrome (PMID: 22382802, 22410210). For these reasons, this variant has been classified as Pathogenic.

Literature cited by the submitters: PubMed 16427346; PubMed 22382802; PubMed 23409742; PubMed 22410210.